The following is an entry in ClinVar:

ClinVar aggregate classification (germline): Uncertain significance (1 of 4 stars; one submission).

Submission:

GeneDx
Classification: Uncertain significance. Last evaluated: 2017-08-03. Review status: criteria provided, single submitter. Criteria: GeneDx Variant Classification (06012015). Collection method: clinical testing. Allele origin: germline. Affected: yes.
Comment: The Q155X variant in the RBFOX1 gene has not been reported previously as a pathogenic variant nor as a benign variant, to our knowledge. This variant is predicted to cause loss of normal protein function either through protein truncation or nonsense-mediated mRNA decay. The Q155X variant is not observed in large population cohorts (Lek et al., 2016; 1000 Genomes Consortium et al., 2015; Exome Variant Server). We interpret Q155X as a variant of uncertain significance.

NM_018723.4(RBFOX1):c.403C>T (p.Gln135Ter)

Genes: RBFOX1 (RNA binding fox-1 homolog 1; plus strand), LOC126862278 (CDK7 strongly-dependent group 2 enhancer GRCh37_chr16:7629446-7630645; plus strand). Cytogenetic location: 16p13.3.
Variant type: single nucleotide variant.
Coding change: c.403C>T on transcript NM_018723.4 (MANE Select); coding-DNA position 403, C replaced by T.
Protein change: p.Gln135Ter; replaces glutamine 135 with a stop codon.
Molecular consequence: nonsense.
Genome position (GRCh38, 1-based): chr16:7,579,909, C>T. VCF-style: chr16-7579909-C-T. GRCh37 (hg19) VCF-style: chr16-7629911-C-T.
Other names: c.403C>T, p.Gln135Ter (NM_001142333.2, NM_001142334.2, NM_001364800.2); c.532C>T, p.Gln178Ter (NM_001308117.1); c.463C>T, p.Gln155Ter (NM_145891.3, NM_145892.3, NM_145893.3); short protein forms Q135*, Q155*, Q178*.
Identifiers: ClinVar variation 451041 (VCV000451041.2), dbSNP rs780063240, ClinGen allele CA394682601.